The following is an entry in ClinVar:

ClinVar aggregate classification (germline): Uncertain significance. Review status: criteria provided, multiple submitters, no conflicts (2 of 4 stars). 5 submissions from 5 submitters: Uncertain significance (5). Last evaluated 2025-02-20.

Conditions:
Inborn genetic diseases. Identifiers: MedGen C0950123, MeSH D030342.
Combined immunodeficiency due to ZAP70 deficiency (IMD48). Also called: Immunodeficiency 48; ZAP70 Deficiency. Identifiers: Orphanet 911, MedGen C2931299, MONDO:0010023, OMIM 269840.

Allele frequency attached by ClinVar (database versions not stated): gnomAD 0.00001; TOPMed 0.00004.
gnomAD v4.1: 14 of 1,602,776 alleles (0.00087%); highest among the groups gnomAD compares: Middle Eastern, 0.049%; no homozygotes.

Submissions (5):

Labcorp Genetics (formerly Invitae), Labcorp
Classification: Uncertain significance for Combined immunodeficiency due to ZAP70 deficiency. Last evaluated: 2025-02-20. Review status: criteria provided, single submitter. Criteria: Invitae Variant Classification Sherloc (09022015). Collection method: clinical testing. Allele origin: germline.
Comment: This sequence change replaces glutamine, which is neutral and polar, with histidine, which is basic and polar, at codon 64 of the ZAP70 protein (p.Gln64His). This variant is present in population databases (no rsID available, gnomAD 0.0009%). This variant has not been reported in the literature in individuals affected with ZAP70-related conditions. ClinVar contains an entry for this variant (Variation ID: 432335). An algorithm developed to predict the effect of missense changes on protein structure and function (PolyPhen-2) suggests that this variant is likely to be disruptive. In summary, the available evidence is currently insufficient to determine the role of this variant in disease. Therefore, it has been classified as a Variant of Uncertain Significance.

Ambry Genetics
Classification: Uncertain significance for Inborn genetic diseases. Last evaluated: 2024-09-04. Review status: criteria provided, single submitter. Criteria: Ambry Variant Classification Scheme 2023. Collection method: clinical testing. Allele origin: germline.

Revvity Omics, Revvity
Classification: Uncertain significance. Last evaluated: 2023-01-21. Review status: criteria provided, single submitter. Criteria: ACMG Guidelines, 2015. Collection method: clinical testing. Allele origin: germline.

Blueprint Genetics
Classification: Uncertain significance. Last evaluated: 2019-06-27. Review status: criteria provided, single submitter. Criteria: ACMG Guidelines, 2015. Collection method: clinical testing. Allele origin: germline.

GeneDx
Classification: Uncertain significance. Last evaluated: 2017-06-02. Review status: criteria provided, single submitter. Criteria: GeneDx Variant Classification (06012015). Collection method: clinical testing. Allele origin: germline. Affected: yes.
Comment: The Q64H variant in the ZAP70 gene has not been reported previously as a pathogenic variant, nor as a benign variant, to our knowledge. The Q64H variant is not observed in large population cohorts (Lek et al., 2016; 1000 Genomes Consortium et al., 2015; Exome Variant Server). The Q64H variant is a semi-conservative amino acid substitution, which may impact secondary protein structure as these residues differ in some properties. Although this substitution occurs at a position that is conserved across species, in silico analysis is inconsistent in its predictions as to whether or not the variant is damaging to the protein structure/function. We interpret Q64H as a variant of uncertain significance.

NM_001079.4(ZAP70):c.192G>C (p.Gln64His)

Gene: ZAP70 (zeta chain of T cell receptor associated protein kinase 70; plus strand). Cytogenetic location: 2q11.2.
Variant type: single nucleotide variant.
Coding change: c.192G>C on transcript NM_001079.4 (MANE Select); coding-DNA position 192, G replaced by C.
Protein change: p.Gln64His; replaces glutamine 64 with histidine.
Molecular consequence: missense variant.
Genome position (GRCh38, 1-based): chr2:97,724,228, G>C. VCF-style: chr2-97724228-G-C. GRCh37 (hg19) VCF-style: chr2-98340691-G-C.
Other names: c.192G>C, p.Gln64His (NM_001378594.1); short protein forms Q64H.
Identifiers: ClinVar variation 432335 (VCV000432335.14), dbSNP rs770705407, ClinGen allele CA52553241.